The following is an entry in ClinVar:

ClinVar aggregate classification (germline): Pathogenic (1 of 4 stars; one submission).

Conditions:
Cornelia de Lange syndrome 1 (CDLS1). Also called: Brachmann de Lange syndrome; NIPBL-Related Cornelia de Lange Syndrome; TYPUS DEGENERATIVUS AMSTELODAMENSIS. Identifiers: Orphanet 199, MedGen C4551851, MONDO:0007387, OMIM 122470.

Submission:

Labcorp Genetics (formerly Invitae), Labcorp
Classification: Pathogenic for Cornelia de Lange syndrome 1. Last evaluated: 2024-07-22. Review status: criteria provided, single submitter. Criteria: Invitae Variant Classification Sherloc (09022015). Collection method: clinical testing. Allele origin: germline.
Comment: This sequence change creates a premature translational stop signal (p.Gln784Ilefs*9) in the NIPBL gene. It is expected to result in an absent or disrupted protein product. Loss-of-function variants in NIPBL are known to be pathogenic (PMID: 15318302, 19763162, 23505322, 29995837). This variant is not present in population databases (gnomAD no frequency). This variant has not been reported in the literature in individuals affected with NIPBL-related conditions. For these reasons, this variant has been classified as Pathogenic.

Literature cited by the submitters: PubMed 15318302; PubMed 19763162; PubMed 23505322; PubMed 29995837.

NM_133433.4(NIPBL):c.2349_2352del (p.Gln784fs)

Gene: NIPBL (NIPBL cohesin loading factor; plus strand). Cytogenetic location: 5p13.2.
Variant type: Deletion.
Coding change: c.2349_2352del on transcript NM_133433.4 (MANE Select); coding-DNA positions 2349 to 2352, 4 bases deleted (ACAA; older notation c.2349_2352delACAA).
Protein change: p.Gln784fs; shifts the reading frame from glutamine 784.
Molecular consequence: frameshift variant.
Genome position (GRCh38, 1-based): chr5:36,985,529-36,985,532, ACAA deleted; deleting any 4 consecutive bases within chr5:36,985,527-36,985,532 gives the same sequence; the c. name uses the placement nearest the transcript's 3' end. VCF-style (leftmost placement, unchanged base first): chr5-36985526-TAAAC-T. GRCh37 (hg19) VCF-style: chr5-36985628-TAAAC-T.
Other names: c.2349_2352del, p.Gln784fs (NM_015384.5); short protein forms Q784fs.
Identifiers: ClinVar variation 3660227 (VCV003660227.2).